The following is an entry in ClinVar:

ClinVar aggregate classification (germline): Uncertain significance. Review status: criteria provided, multiple submitters, no conflicts (2 of 4 stars). 3 submissions from 3 submitters: Uncertain significance (3). Last evaluated 2025-09-08.

Conditions:
SAMD9-related disorder. Also called: SAMD9-related condition.

Allele frequency attached by ClinVar (database versions not stated): gnomAD exomes below 0.00001; ExAC 0.00002; gnomAD 0.00005; ESP Exome Variant Server 0.00008; TOPMed 0.00012; 1000 Genomes Project 30x 0.00016; 1000 Genomes Project 0.00020.
gnomAD v4.1: 16 of 1,613,514 alleles (0.00099%); highest among the groups gnomAD compares: African/African-American, 0.017%; no homozygotes.

Submissions (3):

Women's Health and Genetics/Laboratory Corporation of America, LabCorp
Classification: Uncertain significance. Last evaluated: 2025-09-08. Review status: criteria provided, single submitter. Criteria: LabCorp Variant Classification Summary - May 2015. Collection method: clinical testing. Allele origin: germline.
Comment: Variant summary: SAMD9 c.4729T>C (p.Ser1577Pro) results in a non-conservative amino acid change in the encoded protein sequence. Algorithms developed to predict the effect of missense changes on protein structure and function are either unavailable or do not agree on the potential impact of this missense change. The variant allele was found at a frequency of 1.2e-05 in 251094 control chromosomes. The available data on variant occurrences in the general population are insufficient to allow any conclusion about variant significance. To our knowledge, no occurrence of c.4729T>C in individuals affected with SAMD9-related conditions and no experimental evidence demonstrating its impact on protein function have been reported. ClinVar contains an entry for this variant (Variation ID: 1907041). Based on the evidence outlined above, the variant was classified as uncertain significance.

Labcorp Genetics (formerly Invitae), Labcorp
Classification: Uncertain significance. Last evaluated: 2025-08-19. Review status: criteria provided, single submitter. Criteria: Invitae Variant Classification Sherloc (09022015). Collection method: clinical testing. Allele origin: germline.
Comment: This sequence change replaces serine, which is neutral and polar, with proline, which is neutral and non-polar, at codon 1577 of the SAMD9 protein (p.Ser1577Pro). This variant is present in population databases (rs373623328, gnomAD 0.02%). This variant has not been reported in the literature in individuals affected with SAMD9-related conditions. ClinVar contains an entry for this variant (Variation ID: 1907041). Invitae Evidence Modeling of protein sequence and biophysical properties (such as structural, functional, and spatial information, amino acid conservation, physicochemical variation, residue mobility, and thermodynamic stability) has been performed for this missense variant. However, the output from this modeling did not meet the statistical confidence thresholds required to predict the impact of this variant on SAMD9 protein function. In summary, the available evidence is currently insufficient to determine the role of this variant in disease. Therefore, it has been classified as a Variant of Uncertain Significance.

PreventionGenetics, part of Exact Sciences
Classification: Uncertain significance for SAMD9-related condition. Last evaluated: 2022-11-04. Review status: criteria provided, single submitter. Criteria: ACMG Guidelines, 2015. Collection method: clinical testing. Allele origin: germline.
Comment: The SAMD9 c.4729T>C variant is predicted to result in the amino acid substitution p.Ser1577Pro. To our knowledge, this variant has not been reported in the literature. This variant is reported in 0.020% of alleles in individuals of African descent in gnomAD. At this time, the clinical significance of this variant is uncertain due to the absence of conclusive functional and genetic evidence.

NM_017654.4(SAMD9):c.4729T>C (p.Ser1577Pro)

Gene: SAMD9 (sterile alpha motif domain containing 9; minus strand). Cytogenetic location: 7q21.2.
Variant type: single nucleotide variant.
Coding change: c.4729T>C on transcript NM_017654.4 (MANE Select); coding-DNA position 4729, T replaced by C.
Protein change: p.Ser1577Pro; replaces serine 1577 with proline.
Molecular consequence: missense variant.
Genome position (GRCh38, 1-based): chr7:93,101,369, A>G on the plus strand (T>C on the coding strand, the complement: SAMD9 is on the minus strand). VCF-style: chr7-93101369-A-G. GRCh37 (hg19) VCF-style: chr7-92730682-A-G.
Other names: c.4729T>C (NM_017654.3); c.4729T>C, p.Ser1577Pro (NM_001193307.2); short protein forms S1577P.
Identifiers: ClinVar variation 1907041 (VCV001907041.5), dbSNP rs373623328, ClinGen allele CA4342505.